The following is an entry in ClinVar:

ClinVar aggregate classification (germline): Benign/Likely benign. Review status: criteria provided, multiple submitters, no conflicts (2 of 4 stars). 4 submissions from 4 submitters: Benign (1); Likely benign (3). Last evaluated 2025-11-25.

Conditions:
Cardiomyopathy (CMYO). Also called: Cardiomyopathies. Identifiers: Orphanet 167848, MedGen C0878544, MONDO:0004994, HP:0001638. Inheritance: Various modes of inheritance.
Hypertrophic cardiomyopathy. Also called: HYPERTROPHIC MYOCARDIOPATHY. Identifiers: Orphanet 217569, MedGen C0007194, MeSH D002312, MONDO:0005045, HP:0001639.

Allele frequency attached by ClinVar (database versions not stated): gnomAD exomes 0.00001 and 0.00002; TOPMed 0.00001; ExAC 0.00002; gnomAD 0.00002 and 0.00001.
gnomAD v4.1: 41 of 1,613,386 alleles (0.0025%); highest among the groups gnomAD compares: South Asian, 0.0044%; no homozygotes.

Submissions (4):

Labcorp Genetics (formerly Invitae), Labcorp
Classification: Likely benign for Hypertrophic cardiomyopathy. Last evaluated: 2025-11-25. Review status: criteria provided, single submitter. Criteria: Invitae Variant Classification Sherloc (09022015). Collection method: clinical testing. Allele origin: germline.

All of Us Research Program, National Institutes of Health
Classification: Likely benign for Hypertrophic cardiomyopathy. Last evaluated: 2023-10-02. Review status: criteria provided, single submitter. Criteria: ACMG Guidelines, 2015. Collection method: clinical testing. Allele origin: germline. Inheritance: Autosomal dominant inheritance. Observed: 4 variant alleles, 4 heterozygotes.
Comment: This study involves interpretation of variants in research participants for the purpose of population health screening. Participant phenotype was not available at the time of variant classification. Additional details can be found in publication PMID: 35346344, PMCID: PMC8962531

Color Diagnostics, LLC DBA Color Health
Classification: Likely benign for Cardiomyopathy. Last evaluated: 2019-09-09. Review status: criteria provided, single submitter. Criteria: ACMG Guidelines, 2015. Collection method: clinical testing. Allele origin: germline.

GeneDx
Classification: Benign. Last evaluated: 2015-03-03. Review status: criteria provided, single submitter. Criteria: GeneDx Variant Classification Process June 2021. Collection method: clinical testing. Allele origin: germline. Affected: yes.

NM_000363.5(TNNI3):c.550-14T>C

Gene: TNNI3 (troponin I3, cardiac type; minus strand). Cytogenetic location: 19q13.42.
Variant type: single nucleotide variant.
Coding change: c.550-14T>C on transcript NM_000363.5 (MANE Select); 14 bases into the intron before coding-DNA position 550, T replaced by C.
Molecular consequence: intron variant.
Genome position (GRCh38, 1-based): chr19:55,151,931, A>G on the plus strand (T>C on the coding strand, the complement: TNNI3 is on the minus strand). VCF-style: chr19-55151931-A-G. GRCh37 (hg19) VCF-style: chr19-55663299-A-G.
Identifiers: ClinVar variation 922772 (VCV000922772.12), dbSNP rs758992431, ClinGen allele CA051770.